The following is an entry in ClinVar:

NM_000052.7(ATP7A):c.1572G>A (p.Met524Ile)

Gene: ATP7A (ATPase copper transporting alpha; plus strand). Cytogenetic location: Xq21.1.
Variant type: single nucleotide variant.
Coding change: c.1572G>A on transcript NM_000052.7 (MANE Select); coding-DNA position 1572, G replaced by A.
Protein change: p.Met524Ile; replaces methionine 524 with isoleucine.
Molecular consequence: missense variant.
Genome position (GRCh38, 1-based): chrX:78,003,101, G>A. VCF-style: chrX-78003101-G-A. GRCh37 (hg19) VCF-style: chrX-77258598-G-A.
Other names: c.1572G>A, p.Met524Ile (NM_001282224.2); short protein forms M524I.
Identifiers: ClinVar variation 4885496 (VCV004885496.2).

ClinVar aggregate classification (germline): Uncertain significance (1 of 4 stars; one submission).

Submission:

Dasa
Classification: Uncertain significance. Last evaluated: 2025-01-23. Review status: criteria provided, single submitter. Criteria: DASA Assertion Criteria. Collection method: clinical testing. Allele origin: germline.
Comment: NM_000052.7(ATP7A):c.1572G>A (p.Met524Ile) is a missense variant that results in the substitution of methionine with isoleucine. This variant is absent from population databases. Computational prediction algorithms are consistent with a deleterious effect. The currently available literature and clinical evidence are not sufficient to establish a definitive association between this variant and the reported condition. Therefore, this variant is classified as a variant of uncertain significance.